The following is an entry in ClinVar:

NM_015160.3(PMPCA):c.258G>C (p.Gln86His)

Gene: PMPCA (peptidase, mitochondrial processing subunit alpha; plus strand). Cytogenetic location: 9q34.3.
Variant type: single nucleotide variant.
Coding change: c.258G>C on transcript NM_015160.3 (MANE Select); coding-DNA position 258, G replaced by C.
Protein change: p.Gln86His; replaces glutamine 86 with histidine.
Molecular consequence: missense variant. On other transcripts: 5 prime UTR variant (2).
Genome position (GRCh38, 1-based): chr9:136,412,183, G>C. VCF-style: chr9-136412183-G-C. GRCh37 (hg19) VCF-style: chr9-139306635-G-C.
Other names: c.-41G>C (NM_001282944.2, NM_001282946.2); short protein forms Q86H.
Identifiers: ClinVar variation 1033741 (VCV001033741.3), dbSNP rs141305380, ClinGen allele CA5335884.
Genomic context (GRCh38, chr9:136,412,183, plus strand): 5'-AACCAAAGTAACCACATTGGATAATGGGCTTCGCGTGGCATCTCAGAATAAGTTTGGACA[G>C]TTTTGTACAGTAGGAAGTAAGTACTGTTGTGTTGTCGTGGGTGGTCCCGCAGTTTTAACA-3'
Protein context (NP_055975.1, residues 76-96): LRVASQNKFG[Gln86His]FCTVGILINS

ClinVar aggregate classification (germline): Uncertain significance. Review status: criteria provided, multiple submitters, no conflicts (2 of 4 stars). 2 submissions from 2 submitters: Uncertain significance (2). Last evaluated 2025-11-02.

Conditions:
Inborn genetic diseases. Identifiers: MedGen C0950123, MeSH D030342.
Autosomal recessive spinocerebellar ataxia 2. Also called: CEREBELLAR GRANULAR CELL HYPOPLASIA AND MENTAL RETARDATION, CONGENITAL; CEREBELLAR HYPOPLASIA, NONPROGRESSIVE NORMAN TYPE; CEREBELLOPARENCHYMAL DISORDER III; CPD III. Identifiers: Orphanet 1170, MedGen C1859298, MONDO:0008943, OMIM 213200.

Allele frequency attached by ClinVar (database versions not stated): gnomAD 0.00006; gnomAD exomes 0.00002; ESP Exome Variant Server 0.00008; ExAC 0.00002; TOPMed 0.00005.
gnomAD v4.1: 44 of 1,612,652 alleles (0.0027%); highest among the groups gnomAD compares: African/African-American, 0.0053%; no homozygotes.

Submissions (2):

Ambry Genetics
Classification: Uncertain significance for Inborn genetic diseases. Last evaluated: 2025-11-02. Review status: criteria provided, single submitter. Criteria: Ambry Variant Classification Scheme 2023. Collection method: clinical testing. Allele origin: germline.

Baylor Genetics
Classification: Uncertain significance for Autosomal recessive spinocerebellar ataxia 2. Last evaluated: 2018-12-19. Review status: criteria provided, single submitter. Criteria: ACMG Guidelines, 2015. Collection method: clinical testing. Allele origin: unknown. Affected: yes.
Comment: This variant was determined to be of uncertain significance according to ACMG Guidelines, 2015 [PMID:25741868].